The following is an entry in ClinVar:

NM_004369.4(COL6A3):c.9374_9379dup (p.Leu3126_Lys3127insIleLeu)

Genes: COL6A3 (collagen type VI alpha 3 chain; minus strand), LOC126806573 (CDK7 strongly-dependent group 2 enhancer GRCh37_chr2:238233151-238234350; plus strand). Cytogenetic location: 2q37.3.
Variant type: Duplication.
Coding change: c.9374_9379dup on transcript NM_004369.4 (MANE Select); coding-DNA positions 9374 to 9379, 6 bases duplicated (TATTAA; older notation c.9374_9379dupTATTAA).
Protein change: p.Leu3126_Lys3127insIleLeu.
Genome position (GRCh38, 1-based): chr2:237,325,674-237,325,679, TTAATA duplicated on the plus strand (TATTAA on the coding strand, the reverse complement: COL6A3 is on the minus strand); duplicating any 6 consecutive bases within chr2:237,325,674-237,325,680 gives the same sequence; the c. name uses the placement nearest the transcript's 3' end. VCF-style (leftmost placement, unchanged base first): chr2-237325673-T-TTTAATA. GRCh37 (hg19) VCF-style: chr2-238234316-T-TTTAATA.
Other names: c.7553_7558dup, p.Leu2519_Lys2520insIleLeu (NM_057166.5); c.8756_8761dup, p.Leu2920_Lys2921insIleLeu (NM_057167.4).
Identifiers: ClinVar variation 3675683 (VCV003675683.2).

ClinVar aggregate classification (germline): Uncertain significance (1 of 4 stars; one submission).

Conditions:
Bethlem myopathy 1A. Also called: MYOPATHY, BENIGN CONGENITAL, WITH CONTRACTURES; Bethlem myopathy 1; Bethlem Muscular Dystrophy. Identifiers: Orphanet 610, MedGen CN029274, MONDO:0024530, OMIM 158810.

Submission:

Labcorp Genetics (formerly Invitae), Labcorp
Classification: Uncertain significance for Bethlem myopathy 1A. Last evaluated: 2024-11-29. Review status: criteria provided, single submitter. Criteria: Invitae Variant Classification Sherloc (09022015). Collection method: clinical testing. Allele origin: germline.
Comment: This variant, c.9374_9379dup, results in the insertion of 2 amino acid(s) of the COL6A3 protein (p.Ile3125_Leu3126dup), but otherwise preserves the integrity of the reading frame. This variant is not present in population databases (gnomAD no frequency). This variant has not been reported in the literature in individuals affected with COL6A3-related conditions. Experimental studies and prediction algorithms are not available or were not evaluated, and the functional significance of this variant is currently unknown. In summary, the available evidence is currently insufficient to determine the role of this variant in disease. Therefore, it has been classified as a Variant of Uncertain Significance.